The following is an entry in ClinVar:

ClinVar aggregate classification (germline): Benign. Review status: criteria provided, multiple submitters, no conflicts (2 of 4 stars). 2 submissions from 2 submitters: Benign (2). Last evaluated 2021-06-19.

Conditions:
Bardet-Biedl syndrome 9 (BBS9). Identifiers: Orphanet 110, MedGen C1859567, MONDO:0014437, OMIM 615986.

Allele frequency attached by ClinVar (database versions not stated): gnomAD exomes 0.00175; 1000 Genomes Project 0.01318; 1000 Genomes Project 30x 0.01374; gnomAD 0.01461 and 0.01586; TOPMed 0.01611.
gnomAD v4.1: 3,600 of 915,928 alleles (0.39%); highest among the groups gnomAD compares: African/African-American, 5.2%; 93 homozygotes.

Submissions (2):

GeneDx
Classification: Benign. Last evaluated: 2021-06-19. Review status: criteria provided, single submitter. Criteria: GeneDx Variant Classification Process June 2021. Collection method: clinical testing. Allele origin: germline. Affected: yes.

Illumina Laboratory Services, Illumina
Classification: Benign for Bardet-Biedl syndrome 9. Last evaluated: 2018-01-13. Review status: criteria provided, single submitter. Criteria: ICSL Variant Classification Criteria 13 December 2019. Collection method: clinical testing. Allele origin: germline.
Comment: This variant was observed in the ICSL laboratory as part of a predisposition screen in an ostensibly healthy population. It had not been previously curated by ICSL or reported in the Human Gene Mutation Database (HGMD: prior to June 1st, 2018), and was therefore a candidate for classification through an automated scoring system. Utilizing variant allele frequency, disease prevalence and penetrance estimates, and inheritance mode, an automated score was calculated to assess if this variant is too frequent to cause the disease. Based on the score and internal cut-off values, a variant classified as benign is not then subjected to further curation. The score for this variant resulted in a classification of benign for this disease.

NM_198428.3(BBS9):c.*138A>C

Gene: BBS9 (Bardet-Biedl syndrome 9; plus strand). Cytogenetic location: 7p14.3.
Variant type: single nucleotide variant.
Coding change: c.*138A>C on transcript NM_198428.3 (MANE Select); 138 bases downstream of the stop codon, A replaced by C.
Molecular consequence: 3 prime UTR variant. On other transcripts: non-coding transcript variant (3), intron variant (2).
Genome position (GRCh38, 1-based): chr7:33,605,364, A>C. VCF-style: chr7-33605364-A-C. GRCh37 (hg19) VCF-style: chr7-33644976-A-C.
Other names: c.*138A>C (NM_001033604.2, NM_001033605.2, NM_001348036.1 and 10 more transcripts); c.2522-29813A>C (NM_001362679.1); c.2632+389A>C (NM_001348041.4).
Identifiers: ClinVar variation 360076 (VCV000360076.7), dbSNP rs59454255, ClinGen allele CA10623877.